The following is an entry in ClinVar:

ClinVar aggregate classification (germline): Likely benign (1 of 4 stars; one submission).

gnomAD v4.1: 1 of 1,611,430 alleles (0.000062%); highest among the groups gnomAD compares: Non-Finnish European, 0.000085%; no homozygotes.

Submission:

Women's Health and Genetics/Laboratory Corporation of America, LabCorp
Classification: Likely benign. Last evaluated: 2026-06-10. Review status: criteria provided, single submitter. Criteria: LabCorp Variant Classification Summary - May 2015. Collection method: clinical testing. Allele origin: germline.
Comment: Variant summary: CHD1 c.4041G>A alters a conserved nucleotide resulting in a synonymous change. Consensus agreement among computation tools predict no significant impact on normal splicing. However, these predictions have yet to be confirmed by functional studies. The variant was absent in 250498 control chromosomes. The available data on variant occurrences in the general population are insufficient to allow any conclusion about variant significance. To our knowledge, no occurrence of c.4041G>A in individuals affected with CHD1-related conditions and no experimental evidence demonstrating its impact on protein function have been reported. No submitters have cited clinical-significance assessments for this variant to ClinVar. Based on the evidence outlined above, the variant was classified as likely benign.

NM_001270.4(CHD1):c.4041G>A (p.Val1347=)

Gene: CHD1 (chromodomain helicase DNA binding protein 1; minus strand). Cytogenetic location: 5q15.
Variant type: single nucleotide variant.
Coding change: c.4041G>A on transcript NM_001270.4 (MANE Select); coding-DNA position 4041, G replaced by A.
Protein change: p.Val1347=; no amino-acid change (valine 1347 retained).
Molecular consequence: synonymous variant. On other transcripts: non-coding transcript variant (2).
Genome position (GRCh38, 1-based): chr5:98,869,820, C>T on the plus strand (G>A on the coding strand, the complement: CHD1 is on the minus strand). VCF-style: chr5-98869820-C-T. GRCh37 (hg19) VCF-style: chr5-98205524-C-T.
Other names: c.4041G>A, p.Val1347= (NM_001364113.3, NM_001376194.2).
Identifiers: ClinVar variation 4887360 (VCV004887360.1).